The following is an entry in ClinVar:

NM_006459.4(ERLIN1):c.610G>A (p.Val204Ile)

Gene: ERLIN1 (ER lipid raft associated 1; minus strand). Cytogenetic location: 10q24.31.
Variant type: single nucleotide variant.
Coding change: c.610G>A on transcript NM_006459.4 (MANE Select); coding-DNA position 610, G replaced by A.
Protein change: p.Val204Ile; replaces valine 204 with isoleucine.
Molecular consequence: missense variant. On other transcripts: non-coding transcript variant (6).
Genome position (GRCh38, 1-based): chr10:100,164,049, C>T on the plus strand (G>A on the coding strand, the complement: ERLIN1 is on the minus strand). VCF-style: chr10-100164049-C-T. GRCh37 (hg19) VCF-style: chr10-101923806-C-T.
Other names: c.610G>A, p.Val204Ile (NM_001100626.2, NM_001347857.2, NM_001347859.2 and 2 more transcripts); c.358G>A, p.Val120Ile (NM_001347856.2); c.130G>A, p.Val44Ile (NM_001347858.2); short protein forms V204I, V44I, V120I.
Identifiers: ClinVar variation 639284 (VCV000639284.8), dbSNP rs1589525631, ClinGen allele CA378153516.

ClinVar aggregate classification (germline): Uncertain significance (1 of 4 stars; one submission).

Conditions:
Hereditary spastic paraplegia 62. Also called: Spastic paraplegia 62, autosomal recessive. Identifiers: Orphanet 401785, MedGen C4284588, MONDO:0014302, OMIM 615681.

Submission:

Labcorp Genetics (formerly Invitae), Labcorp
Classification: Uncertain significance for Hereditary spastic paraplegia 62. Last evaluated: 2018-10-26. Review status: criteria provided, single submitter. Criteria: Invitae Variant Classification Sherloc (09022015). Collection method: clinical testing. Allele origin: germline.
Comment: This sequence change replaces valine with isoleucine at codon 204 of the ERLIN1 protein (p.Val204Ile). The valine residue is highly conserved and there is a small physicochemical difference between valine and isoleucine. This variant is not present in population databases (ExAC no frequency). This variant has not been reported in the literature in individuals with ERLIN1-related disease. Algorithms developed to predict the effect of missense changes on protein structure and function are either unavailable or do not agree on the potential impact of this missense change (SIFT: "Tolerated"; PolyPhen-2: "Possibly Damaging"; Align-GVGD: "Class C0"). In summary, the available evidence is currently insufficient to determine the role of this variant in disease. Therefore, it has been classified as a Variant of Uncertain Significance.